The following is an entry in ClinVar:

NM_032634.4(PIGO):c.412C>T (p.Leu138Phe)

Gene: PIGO (phosphatidylinositol glycan anchor biosynthesis class O; minus strand). Cytogenetic location: 9p13.3.
Variant type: single nucleotide variant.
Coding change: c.412C>T on transcript NM_032634.4 (MANE Select); coding-DNA position 412, C replaced by T.
Protein change: p.Leu138Phe; replaces leucine 138 with phenylalanine.
Molecular consequence: missense variant.
Genome position (GRCh38, 1-based): chr9:35,095,154, G>A on the plus strand (C>T on the coding strand, the complement: PIGO is on the minus strand). VCF-style: chr9-35095154-G-A. GRCh37 (hg19) VCF-style: chr9-35095151-G-A.
Other names: c.412C>T, p.Leu138Phe (NM_001201484.2, NM_152850.4); short protein forms L138F.
Identifiers: ClinVar variation 373692 (VCV000373692.9), dbSNP rs1057518551, ClinGen allele CA16042646.

ClinVar aggregate classification (germline): Uncertain significance. Review status: criteria provided, multiple submitters, no conflicts (2 of 4 stars). 2 submissions from 2 submitters: Uncertain significance (2). Last evaluated 2024-10-29.

Conditions:
Hyperphosphatasia with impaired intellectual development syndrome 2. Also called: Hyperphosphatasia with intellectual disability syndrome 2; GLYCOSYLPHOSPHATIDYLINOSITOL BIOSYNTHESIS DEFECT 6. Identifiers: Orphanet 247262, MedGen C3553637, MONDO:0013882, OMIM 614749.

gnomAD v4.1: 1 of 1,614,236 alleles (0.000062%); no homozygotes.

Submissions (2):

Labcorp Genetics (formerly Invitae), Labcorp
Classification: Uncertain significance for Hyperphosphatasia with impaired intellectual development syndrome 2. Last evaluated: 2024-10-29. Review status: criteria provided, single submitter. Criteria: Invitae Variant Classification Sherloc (09022015). Collection method: clinical testing. Allele origin: germline.
Comment: This sequence change replaces leucine, which is neutral and non-polar, with phenylalanine, which is neutral and non-polar, at codon 138 of the PIGO protein (p.Leu138Phe). This variant is not present in population databases (gnomAD no frequency). This variant has not been reported in the literature in individuals affected with PIGO-related conditions. ClinVar contains an entry for this variant (Variation ID: 373692). Invitae Evidence Modeling of protein sequence and biophysical properties (such as structural, functional, and spatial information, amino acid conservation, physicochemical variation, residue mobility, and thermodynamic stability) indicates that this missense variant is not expected to disrupt PIGO protein function with a negative predictive value of 95%. In summary, the available evidence is currently insufficient to determine the role of this variant in disease. Therefore, it has been classified as a Variant of Uncertain Significance.

GeneDx
Classification: Uncertain significance. Last evaluated: 2016-12-06. Review status: criteria provided, single submitter. Criteria: GeneDx Variant Classification (06012015). Collection method: clinical testing. Allele origin: germline. Affected: yes.
Comment: A variant of uncertain significance has been identified in the PIGO gene. The L138F variant has not been published as a pathogenic variant, nor has it been reported as a benign variant to our knowledge. The L138F variant is not observed in large population cohorts (Lek et al., 2016; 1000 Genomes Consortium et al., 2015; Exome Variant Server). The L138F variant is a conservative amino acid substitution, which is not likely to impact secondary protein structure as these residues share similar properties. This substitution occurs at a position where amino acids with similar properties to Leucine are tolerated across species. However, in silico analysis predicts this variant is probably damaging to the protein structure/function. Therefore, based on the currently available information, it is unclear whether this variant is a pathogenic variant or a rare benign variant.